The following is an entry in ClinVar:

ClinVar aggregate classification (germline): Likely pathogenic (1 of 4 stars; one submission).

Conditions:
Intellectual developmental disorder, autosomal recessive 47. Also called: Intellectual disability, autosomal recessive 47. Identifiers: Orphanet 88616, MedGen C4015444, MONDO:0014524, OMIM 616193.

Submission:

Dasa
Classification: Likely pathogenic for Intellectual developmental disorder, autosomal recessive 47. Last evaluated: 2025-09-26. Review status: criteria provided, single submitter. Criteria: DASA Assertion Criteria. Collection method: clinical testing. Allele origin: germline.
Comment: NM_020066.5(FMN2):c.2552dup (p.Asn851Lysfs*4) is a frameshift variant in FMN2 predicted to alter the reading frame and introduce a premature termination codon and is predicted to result in an absent or altered protein product. Loss of function is an established disease mechanism for FMN2-associated disorders. Also, this variant is absent from population databases. Based on the currently available evidence, this variant is classified as likely pathogenic.

NM_020066.5(FMN2):c.2552dup (p.Asn851fs)

Gene: FMN2 (formin 2; plus strand). Cytogenetic location: 1q43.
Variant type: Duplication.
Coding change: c.2552dup on transcript NM_020066.5 (MANE Select); coding-DNA position 2552, one base duplicated (A; older notation c.2552dupA).
Protein change: p.Asn851fs; shifts the reading frame from asparagine 851.
Molecular consequence: frameshift variant. On other transcripts: intron variant (1).
Genome position (GRCh38, 1-based): chr1:240,207,364, A duplicated; the last of 5 consecutive A bases (chr1:240,207,360-240,207,364); duplicating any one gives the same sequence. VCF-style (leftmost placement, unchanged base first): chr1-240207359-T-TA. GRCh37 (hg19) VCF-style: chr1-240370659-T-TA.
Other names: c.2564dup, p.Asn855fs (NM_001305424.2); c.1986+19102dup (NM_001348094.2); short protein forms N851fs, N855fs.
Identifiers: ClinVar variation 4880525 (VCV004880525.2).